The following is an entry in ClinVar:

NM_022497.5(MRPS25):c.395G>A (p.Arg132Gln)

Gene: MRPS25 (mitochondrial ribosomal protein S25; minus strand). Cytogenetic location: 3p25.1.
Variant type: single nucleotide variant.
Coding change: c.395G>A on transcript NM_022497.5 (MANE Select); coding-DNA position 395, G replaced by A.
Protein change: p.Arg132Gln; replaces arginine 132 with glutamine.
Molecular consequence: missense variant. On other transcripts: non-coding transcript variant (2).
Genome position (GRCh38, 1-based): chr3:15,052,568, C>T on the plus strand (G>A on the coding strand, the complement: MRPS25 is on the minus strand). VCF-style: chr3-15052568-C-T. GRCh37 (hg19) VCF-style: chr3-15094075-C-T.
Other names: p.Arg132Gln; short protein forms R132Q.
Identifiers: ClinVar variation 3379447 (VCV003379447.2).

ClinVar aggregate classification (germline): Uncertain significance (1 of 4 stars; one submission).

gnomAD v4.1: 450 of 1,614,178 alleles (0.028%); highest among the groups gnomAD compares: African/African-American, 0.38%; 1 homozygote.

Submission:

Mayo Clinic Laboratories, Mayo Clinic
Classification: Uncertain significance. Last evaluated: 2025-01-27. Review status: criteria provided, single submitter. Criteria: ACMG Guidelines, 2015. Collection method: clinical testing. Allele origin: germline. Observed: 2 variant alleles.
Comment: BP4_moderate